The following is an entry in ClinVar:

ClinVar aggregate classification (germline): Uncertain significance (1 of 4 stars; one submission).

Allele frequency attached by ClinVar (database versions not stated): gnomAD 0.00001 and 0.00003; ExAC 0.00002; TOPMed 0.00003.
gnomAD v4.1: 38 of 1,613,766 alleles (0.0024%); highest among the groups gnomAD compares: South Asian, 0.019%; no homozygotes.

Submission:

Labcorp Genetics (formerly Invitae), Labcorp
Classification: Uncertain significance. Last evaluated: 2025-07-14. Review status: criteria provided, single submitter. Criteria: Invitae Variant Classification Sherloc (09022015). Collection method: clinical testing. Allele origin: germline.
Comment: This sequence change replaces glycine, which is neutral and non-polar, with serine, which is neutral and polar, at codon 311 of the ACO2 protein (p.Gly311Ser). This variant is present in population databases (rs760772363, gnomAD 0.003%). This variant has not been reported in the literature in individuals affected with ACO2-related conditions. ClinVar contains an entry for this variant (Variation ID: 1426040). Invitae Evidence Modeling of protein sequence and biophysical properties (such as structural, functional, and spatial information, amino acid conservation, physicochemical variation, residue mobility, and thermodynamic stability) indicates that this missense variant is not expected to disrupt ACO2 protein function with a negative predictive value of 80%. In summary, the available evidence is currently insufficient to determine the role of this variant in disease. Therefore, it has been classified as a Variant of Uncertain Significance.

NM_001098.3(ACO2):c.931G>A (p.Gly311Ser)

Gene: ACO2 (aconitase 2; plus strand). Cytogenetic location: 22q13.2.
Variant type: single nucleotide variant.
Coding change: c.931G>A on transcript NM_001098.3 (MANE Select); coding-DNA position 931, G replaced by A.
Protein change: p.Gly311Ser; replaces glycine 311 with serine.
Molecular consequence: missense variant.
Genome position (GRCh38, 1-based): chr22:41,517,622, G>A. VCF-style: chr22-41517622-G-A. GRCh37 (hg19) VCF-style: chr22-41913626-G-A.
Other names: short protein forms G311S.
Identifiers: ClinVar variation 1426040 (VCV001426040.6), dbSNP rs760772363, ClinGen allele CA10257497.